The following is an entry in ClinVar:

NM_015065.3(EXPH5):c.5056C>A (p.His1686Asn)

Gene: EXPH5 (exophilin 5; minus strand). Cytogenetic location: 11q22.3.
Variant type: single nucleotide variant.
Coding change: c.5056C>A on transcript NM_015065.3 (MANE Select); coding-DNA position 5056, C replaced by A.
Protein change: p.His1686Asn; replaces histidine 1686 with asparagine.
Molecular consequence: missense variant.
Genome position (GRCh38, 1-based): chr11:108,510,451, G>T on the plus strand (C>A on the coding strand, the complement: EXPH5 is on the minus strand). VCF-style: chr11-108510451-G-T. GRCh37 (hg19) VCF-style: chr11-108381178-G-T.
Other names: c.4828C>A, p.His1610Asn (NM_001144763.2); c.4588C>A, p.His1530Asn (NM_001144764.2); c.4492C>A, p.His1498Asn (NM_001144765.2); c.5035C>A, p.His1679Asn (NM_001308019.2); short protein forms H1498N, H1679N, H1610N, H1530N, H1686N.
Identifiers: ClinVar variation 790101 (VCV000790101.11), dbSNP rs34026967, ClinGen allele CA6267412.

ClinVar aggregate classification (germline): Benign. Review status: criteria provided, multiple submitters, no conflicts (2 of 4 stars). 3 submissions from 3 submitters: Benign (2). 1 of the submissions does not count toward it. Last evaluated 2026-01-17.

Conditions:
EXPH5-related disorder. Also called: EXPH5-related condition.

Allele frequency attached by ClinVar (database versions not stated): gnomAD 0.00725; TOPMed 0.00761; ESP Exome Variant Server 0.00777; 1000 Genomes Project 0.00799; 1000 Genomes Project 30x 0.00859.
gnomAD v4.1: 2,014 of 1,614,070 alleles (0.12%); highest among the groups gnomAD compares: African/African-American, 2.3%; 22 homozygotes.

Submissions (3):

Labcorp Genetics (formerly Invitae), Labcorp
Classification: Benign. Last evaluated: 2026-01-17. Review status: criteria provided, single submitter. Criteria: Invitae Variant Classification Sherloc (09022015). Collection method: clinical testing. Allele origin: germline.

Breakthrough Genomics
Classification: Benign. Review status: criteria provided, single submitter. Criteria: ACMG Guidelines, 2015. Collection method: not provided. Allele origin: germline. Inheritance: Autosomal recessive inheritance. Affected: yes.

PreventionGenetics, part of Exact Sciences
Classification: Likely benign for EXPH5-related condition. Last evaluated: 2024-07-23. Review status: no assertion criteria provided. Collection method: clinical testing. Allele origin: germline. Not counted in ClinVar's aggregate classification.
Comment: This variant is classified as likely benign based on ACMG/AMP sequence variant interpretation guidelines (Richards et al. 2015 PMID: 25741868, with internal and published modifications).